The following is an entry in ClinVar:

NM_001195129.2(PRSS56):c.1187-9G>C

Gene: PRSS56 (serine protease 56; plus strand). Cytogenetic location: 2q37.1.
Variant type: single nucleotide variant.
Coding change: c.1187-9G>C on transcript NM_001195129.2 (MANE Select); 9 bases into the intron before coding-DNA position 1187, G replaced by C.
Molecular consequence: intron variant.
Genome position (GRCh38, 1-based): chr2:232,524,030, G>C. VCF-style: chr2-232524030-G-C. GRCh37 (hg19) VCF-style: chr2-233388740-G-C.
Other names: c.1190-9G>C (NM_001369848.1).
Identifiers: ClinVar variation 3057584 (VCV003057584.2), dbSNP rs1051925760, ClinGen allele CA66949156.
Genomic context (GRCh38, chr2:232,524,030, plus strand): 5'-GACGGGGGGCAGAGGGGAGGGGGCCTGGCCAGCCTCTGACCGCCGCTCCGACTCCTGTCC[G>C]GTCCGCAGAGCTGCGCTCGCTGGCGCACACGCTGCTGGGCCTGCTGCGGAACGCGCAGGA-3'

ClinVar aggregate classification (germline): Likely benign (0 of 4 stars; one submission).

Conditions:
PRSS56-related disorder. Also called: PRSS56-related condition.

gnomAD v4.1: 54 of 1,525,370 alleles (0.0035%); highest among the groups gnomAD compares: Non-Finnish European, 0.0044%; no homozygotes.

Submission:

PreventionGenetics, part of Exact Sciences
Classification: Likely benign for PRSS56-related condition. Last evaluated: 2019-03-28. Review status: no assertion criteria provided. Collection method: clinical testing. Allele origin: germline.
Comment: This variant is classified as likely benign based on ACMG/AMP sequence variant interpretation guidelines (Richards et al. 2015 PMID: 25741868, with internal and published modifications).